The following is an entry in ClinVar:

ClinVar aggregate classification (germline): Uncertain significance (1 of 4 stars; one submission).

Conditions:
Cardiovascular phenotype. Identifiers: MedGen CN230736.

Allele frequency attached by ClinVar (database versions not stated): gnomAD 0.00001.
gnomAD v4.1: 1 of 1,608,946 alleles (0.000062%); highest among the groups gnomAD compares: African/African-American, 0.0013%; no homozygotes.

Submission:

Ambry Genetics
Classification: Uncertain significance for Cardiovascular phenotype. Last evaluated: 2020-08-12. Review status: criteria provided, single submitter. Criteria: Ambry Variant Classification Scheme 2023. Collection method: clinical testing. Allele origin: germline.
Comment: The p.S19078F variant (also known as c.57233C>T), located in coding exon 153 of the TTN gene, results from a C to T substitution at nucleotide position 57233. The serine at codon 19078 is replaced by phenylalanine, an amino acid with highly dissimilar properties. This amino acid position is highly conserved in available vertebrate species. In addition, this alteration is predicted to be tolerated by in silico analysis. Since supporting evidence is limited at this time, the clinical significance of this alteration remains unclear.

NM_001267550.2(TTN):c.84428C>T (p.Ser28143Phe)

Genes: TTN (titin; minus strand), TTN-AS1 (TTN antisense RNA 1; plus strand). Cytogenetic location: 2q31.2.
Variant type: single nucleotide variant.
Coding change: c.84428C>T on transcript NM_001267550.2 (MANE Select); coding-DNA position 84428, C replaced by T.
Protein change: p.Ser28143Phe; replaces serine 28143 with phenylalanine.
Molecular consequence: missense variant.
Genome position (GRCh38, 1-based): chr2:178,561,704, G>A on the plus strand (C>T on the coding strand, the complement: TTN is on the minus strand). VCF-style: chr2-178561704-G-A. GRCh37 (hg19) VCF-style: chr2-179426431-G-A.
Other names: c.79505C>T, p.Ser26502Phe (NM_001256850.1); c.57233C>T, p.Ser19078Phe (NM_003319.4); c.76724C>T, p.Ser25575Phe (NM_133378.4); c.57608C>T, p.Ser19203Phe (NM_133432.3); c.57809C>T, p.Ser19270Phe (NM_133437.4); short protein forms S19203F, S19078F, S28143F, S19270F, S25575F, S26502F.
Identifiers: ClinVar variation 1749291 (VCV001749291.2), dbSNP rs878971321, ClinGen allele CA60985133.